The following is an entry in ClinVar:

NM_005802.5(TOPORS):c.3052C>T (p.Leu1018Phe)

Gene: TOPORS (TOP1 binding arginine/serine rich protein, E3 ubiquitin ligase; minus strand). Cytogenetic location: 9p21.1.
Variant type: single nucleotide variant.
Coding change: c.3052C>T on transcript NM_005802.5 (MANE Select); coding-DNA position 3052, C replaced by T.
Protein change: p.Leu1018Phe; replaces leucine 1018 with phenylalanine.
Molecular consequence: missense variant.
Genome position (GRCh38, 1-based): chr9:32,541,473, G>A on the plus strand (C>T on the coding strand, the complement: TOPORS is on the minus strand). VCF-style: chr9-32541473-G-A. GRCh37 (hg19) VCF-style: chr9-32541471-G-A.
Other names: c.3052C>T (NM_005802.4); c.2857C>T, p.Leu953Phe (NM_001195622.2); short protein forms L1018F, L953F.
Identifiers: ClinVar variation 1055962 (VCV001055962.9), dbSNP rs755664419, ClinGen allele CA5020274.

ClinVar aggregate classification (germline): Conflicting classifications of pathogenicity. Review status: criteria provided, conflicting classifications (1 of 4 stars). 3 submissions from 3 submitters: Uncertain significance (2); Likely benign (1). Last evaluated 2025-12-30.

Conditions:
Inborn genetic diseases. Identifiers: MedGen C0950123, MeSH D030342.
TOPORS-related disorder. Also called: TOPORS-related condition.

Allele frequency attached by ClinVar (database versions not stated): TOPMed 0.00001; gnomAD exomes 0.00003 and 0.00009; ExAC 0.00007.

Submissions (3):

Labcorp Genetics (formerly Invitae), Labcorp
Classification: Uncertain significance. Last evaluated: 2025-12-30. Review status: criteria provided, single submitter. Criteria: Invitae Variant Classification Sherloc (09022015). Collection method: clinical testing. Allele origin: germline.
Comment: This sequence change replaces leucine, which is neutral and non-polar, with phenylalanine, which is neutral and non-polar, at codon 1018 of the TOPORS protein (p.Leu1018Phe). This variant is present in population databases (rs755664419, gnomAD 0.07%), and has an allele count higher than expected for a pathogenic variant. This variant has not been reported in the literature in individuals affected with TOPORS-related conditions. ClinVar contains an entry for this variant (Variation ID: 1055962). An algorithm developed to predict the effect of missense changes on protein structure and function outputs the following: PolyPhen-2: "Not Available". The phenylalanine amino acid residue is found in multiple mammalian species, which suggests that this missense change does not adversely affect protein function. In summary, the available evidence is currently insufficient to determine the role of this variant in disease. Therefore, it has been classified as a Variant of Uncertain Significance.

PreventionGenetics, part of Exact Sciences
Classification: Likely benign for TOPORS-related condition. Last evaluated: 2025-12-29. Review status: criteria provided, single submitter. Criteria: ACMG Guidelines, 2015. Collection method: clinical testing. Allele origin: germline.
Comment: This variant is classified as likely benign based on ACMG/AMP sequence variant interpretation guidelines (Richards et al. 2015 PMID: 25741868, with internal and published modifications).

Ambry Genetics
Classification: Uncertain significance for Inborn genetic diseases. Last evaluated: 2021-10-26. Review status: criteria provided, single submitter. Criteria: Ambry Variant Classification Scheme 2023. Collection method: clinical testing. Allele origin: germline.